The following is an entry in ClinVar:

ClinVar aggregate classification (germline): Uncertain significance. Review status: criteria provided, multiple submitters, no conflicts (2 of 4 stars). 2 submissions from 2 submitters: Uncertain significance (2). Last evaluated 2025-08-30.

Conditions:
Inborn genetic diseases. Identifiers: MedGen C0950123, MeSH D030342.
Myasthenic syndrome, congenital, 22 (CMS22). Also called: PREPL DEFICIENCY. Identifiers: MedGen C4479088, MONDO:0044299, OMIM 616224.

Allele frequency attached by ClinVar (database versions not stated): gnomAD exomes 0.00002 and 0.00003; gnomAD 0.00003; TOPMed 0.00003; ExAC 0.00005.
gnomAD v4.1: 41 of 1,612,904 alleles (0.0025%); highest among the groups gnomAD compares: Middle Eastern, 0.016%; no homozygotes.

Submissions (2):

Ambry Genetics
Classification: Uncertain significance for Inborn genetic diseases. Last evaluated: 2025-08-30. Review status: criteria provided, single submitter. Criteria: Ambry Variant Classification Scheme 2023. Collection method: clinical testing. Allele origin: germline.

Labcorp Genetics (formerly Invitae), Labcorp
Classification: Uncertain significance for Myasthenic syndrome, congenital, 22. Last evaluated: 2023-05-08. Review status: criteria provided, single submitter. Criteria: Invitae Variant Classification Sherloc (09022015). Collection method: clinical testing. Allele origin: germline.
Comment: In summary, the available evidence is currently insufficient to determine the role of this variant in disease. Therefore, it has been classified as a Variant of Uncertain Significance. Advanced modeling of protein sequence and biophysical properties (such as structural, functional, and spatial information, amino acid conservation, physicochemical variation, residue mobility, and thermodynamic stability) performed at Invitae indicates that this missense variant is not expected to disrupt PREPL protein function. ClinVar contains an entry for this variant (Variation ID: 848829). This variant has not been reported in the literature in individuals affected with PREPL-related conditions. This variant is present in population databases (rs779401831, gnomAD 0.005%). This sequence change replaces glutamine, which is neutral and polar, with arginine, which is basic and polar, at codon 676 of the PREPL protein (p.Gln676Arg).

NM_001171613.2(PREPL):c.1760A>G (p.Gln587Arg)

Genes: PREPL (prolyl endopeptidase like; minus strand), SLC3A1 (solute carrier family 3 member 1; plus strand). Cytogenetic location: 2p21.
Variant type: single nucleotide variant.
Coding change: c.1760A>G on transcript NM_001171613.2 (MANE Select); coding-DNA position 1760, A replaced by G.
Protein change: p.Gln587Arg; replaces glutamine 587 with arginine.
Molecular consequence: missense variant.
Genome position (GRCh38, 1-based): chr2:44,321,894, T>C on the plus strand (A>G on the coding strand, the complement: PREPL is on the minus strand). VCF-style: chr2-44321894-T-C. GRCh37 (hg19) VCF-style: chr2-44549033-T-C.
Other names: c.1841A>G, p.Gln614Arg (NM_001042385.2); c.1829A>G, p.Gln610Arg (NM_001042386.2); c.2027A>G, p.Gln676Arg (NM_001171603.1, NM_001171606.2, NM_001374275.1 and 2 more transcripts); c.1760A>G, p.Gln587Arg (NM_001171617.1, NM_001374277.1); short protein forms Q587R, Q610R, Q676R, Q614R.
Identifiers: ClinVar variation 848829 (VCV000848829.9), dbSNP rs779401831, ClinGen allele CA1640955.
Genomic context (GRCh38, chr2:44,321,894, plus strand): 5'-TGAGAATCCTCAATTACATGATTGCCTCCAGGCTGAATATCTAGAATAATATTAGGGGTC[T>C]GATAGCCTGGAAGAGTTAACATGTAGAACAATTAGAAGATTGTATGGGATCTTCTTTGGA-3'
Protein context (NP_001165084.1, residues 577-597): EHAKDTGEGY[Gln587Arg]TPNIILDIQP